The following is an entry in ClinVar:

NM_000089.4(COL1A2):c.3074A>G (p.His1025Arg)

Gene: COL1A2 (collagen type I alpha 2 chain; plus strand). Cytogenetic location: 7q21.3.
Variant type: single nucleotide variant.
Coding change: c.3074A>G on transcript NM_000089.4 (MANE Select); coding-DNA position 3074, A replaced by G.
Protein change: p.His1025Arg; replaces histidine 1025 with arginine.
Molecular consequence: missense variant.
Genome position (GRCh38, 1-based): chr7:94,426,499, A>G. VCF-style: chr7-94426499-A-G. GRCh37 (hg19) VCF-style: chr7-94055811-A-G.
Other names: short protein forms H1025R.
Identifiers: ClinVar variation 2936142 (VCV002936142.3), dbSNP rs940272031, ClinGen allele CA162940378.
Genomic context (GRCh38, chr7:94,426,499, plus strand): 5'-GTGGCGATAAGGGAGAGCCCGGTGAAAAGGGGCCCAGAGGTCTTCCTGGCTTAAAGGGAC[A>G]CAATGGATTGCAAGGTCTGCCTGGTATCGCTGTAAGTAAACTGTAGCCATCTCGCACATA-3'
Protein context (NP_000080.2, residues 1015-1035): GPRGLPGLKG[His1025Arg]NGLQGLPGIA

ClinVar aggregate classification (germline): Uncertain significance (1 of 4 stars; one submission).

Conditions:
Osteogenesis imperfecta type I (OI1). Also called: Lobstein disease; OI, TYPE I; OSTEOGENESIS IMPERFECTA TARDA; OSTEOGENESIS IMPERFECTA WITH BLUE SCLERAE; Osteogenesis imperfecta type 1; Lobstein's Disease. Identifiers: Orphanet 216796, Orphanet 666, MedGen C0023931, MONDO:0008146, OMIM 166200. Disease mechanism: loss of function.
Ehlers-Danlos syndrome, classic type, 1 (EDSCL1). Also called: EDS I; EHLERS-DANLOS SYNDROME, GRAVIS TYPE; EHLERS-DANLOS SYNDROME, SEVERE CLASSIC TYPE; Ehlers-Danlos syndrome, type 1; Ehlers-Danlos Syndrome, Classic Type, COL5A1-Related. Identifiers: MedGen C0268335, MONDO:0019567, OMIM 130000.

Submission:

Labcorp Genetics (formerly Invitae), Labcorp
Classification: Uncertain significance for Osteogenesis imperfecta type I; Ehlers-Danlos syndrome, classic type, 1. Last evaluated: 2023-08-30. Review status: criteria provided, single submitter. Criteria: Invitae Variant Classification Sherloc (09022015). Collection method: clinical testing. Allele origin: germline.
Comment: In summary, the available evidence is currently insufficient to determine the role of this variant in disease. Therefore, it has been classified as a Variant of Uncertain Significance. Advanced modeling of protein sequence and biophysical properties (such as structural, functional, and spatial information, amino acid conservation, physicochemical variation, residue mobility, and thermodynamic stability) performed at Invitae indicates that this missense variant is not expected to disrupt COL1A2 protein function. This variant has not been reported in the literature in individuals affected with COL1A2-related conditions. This variant is not present in population databases (gnomAD no frequency). This sequence change replaces histidine, which is basic and polar, with arginine, which is basic and polar, at codon 1025 of the COL1A2 protein (p.His1025Arg).